The following is an entry in ClinVar:

NM_133433.4(NIPBL):c.6796G>T (p.Glu2266Ter)

Gene: NIPBL (NIPBL cohesin loading factor; plus strand). Cytogenetic location: 5p13.2.
Variant type: single nucleotide variant.
Coding change: c.6796G>T on transcript NM_133433.4 (MANE Select); coding-DNA position 6796, G replaced by T.
Protein change: p.Glu2266Ter; replaces glutamic acid 2266 with a stop codon.
Molecular consequence: nonsense.
Genome position (GRCh38, 1-based): chr5:37,049,143, G>T. VCF-style: chr5-37049143-G-T. GRCh37 (hg19) VCF-style: chr5-37049245-G-T.
Other names: c.6796G>T, p.Glu2266Ter (NM_015384.5); short protein forms E2266*.
Identifiers: ClinVar variation 543048 (VCV000543048.2), dbSNP rs1554032954, ClinGen allele CA359508760.

ClinVar aggregate classification (germline): Pathogenic (1 of 4 stars; one submission).

Conditions:
Cornelia de Lange syndrome 1 (CDLS1). Also called: TYPUS DEGENERATIVUS AMSTELODAMENSIS; Brachmann de Lange syndrome; NIPBL-Related Cornelia de Lange Syndrome. Identifiers: Orphanet 199, MedGen C4551851, MONDO:0007387, OMIM 122470.

Submission:

Labcorp Genetics (formerly Invitae), Labcorp
Classification: Pathogenic for Cornelia de Lange syndrome 1. Last evaluated: 2017-12-10. Review status: criteria provided, single submitter. Criteria: Invitae Variant Classification Sherloc (09022015). Collection method: clinical testing. Allele origin: germline.
Comment: This sequence change creates a premature translational stop signal (p.Glu2266*) in the NIPBL gene. It is expected to result in an absent or disrupted protein product. This variant is not present in population databases (ExAC no frequency). This variant has not been reported in the literature in individuals with NIPBL-related disease. Loss-of-function variants in NIPBL are known to be pathogenic (PMID: 24038889). For these reasons, this variant has been classified as Pathogenic.

Literature cited by the submitters: PubMed 24038889.